The following is an entry in ClinVar:

NM_001282531.3(ADNP):c.613C>G (p.Leu205Val)

Gene: ADNP (activity dependent neuroprotector homeobox; minus strand). Cytogenetic location: 20q13.13.
Variant type: single nucleotide variant.
Coding change: c.613C>G on transcript NM_001282531.3 (MANE Select); coding-DNA position 613, C replaced by G.
Protein change: p.Leu205Val; replaces leucine 205 with valine.
Molecular consequence: missense variant.
Genome position (GRCh38, 1-based): chr20:50,894,101, G>C on the plus strand (C>G on the coding strand, the complement: ADNP is on the minus strand). VCF-style: chr20-50894101-G-C. GRCh37 (hg19) VCF-style: chr20-49510638-G-C.
Other names: c.613C>G, p.Leu205Val (NM_001282532.2, NM_001347511.2, NM_015339.5 and 1 more transcripts); short protein forms L205V.
Identifiers: ClinVar variation 2438881 (VCV002438881.7), dbSNP rs764614303, ClinGen allele CA9908858.

ClinVar aggregate classification (germline): Conflicting classifications of pathogenicity. Review status: criteria provided, conflicting classifications (1 of 4 stars). 3 submissions from 3 submitters: Uncertain significance (2); Likely benign (1). Last evaluated 2025-04-01.

Conditions:
ADNP-related multiple congenital anomalies - intellectual disability - autism spectrum disorder. Also called: Helsmoortel-Van der Aa Syndrome; ADNP-Related Helsmoortel-Van der Aa Syndrome. Identifiers: Orphanet 404448, MedGen C4014538, MONDO:0014379, OMIM 615873. Disease mechanism: loss of function.
Inborn genetic diseases. Identifiers: MedGen C0950123, MeSH D030342.

Allele frequency attached by ClinVar (database versions not stated): TOPMed below 0.00001; ExAC 0.00002.
gnomAD v4.1: 3 of 1,614,156 alleles (0.00019%); highest among the groups gnomAD compares: Admixed American, 0.005%; no homozygotes.

Submissions (3):

Ambry Genetics
Classification: Likely benign for Inborn genetic diseases. Last evaluated: 2025-04-01. Review status: criteria provided, single submitter. Criteria: Ambry Variant Classification Scheme 2023. Collection method: clinical testing. Allele origin: germline.

Labcorp Genetics (formerly Invitae), Labcorp
Classification: Uncertain significance. Last evaluated: 2023-12-11. Review status: criteria provided, single submitter. Criteria: Invitae Variant Classification Sherloc (09022015). Collection method: clinical testing. Allele origin: germline.
Comment: This sequence change replaces leucine, which is neutral and non-polar, with valine, which is neutral and non-polar, at codon 205 of the ADNP protein (p.Leu205Val). This variant is present in population databases (rs764614303, gnomAD 0.006%). This variant has not been reported in the literature in individuals affected with ADNP-related conditions. ClinVar contains an entry for this variant (Variation ID: 2438881). An algorithm developed to predict the effect of missense changes on protein structure and function (PolyPhen-2) suggests that this variant is likely to be tolerated. In summary, the available evidence is currently insufficient to determine the role of this variant in disease. Therefore, it has been classified as a Variant of Uncertain Significance.

Revvity Omics, Revvity
Classification: Uncertain significance for ADNP-related multiple congenital anomalies - intellectual disability - autism spectrum disorder. Last evaluated: 2019-08-14. Review status: criteria provided, single submitter. Criteria: ACMG Guidelines, 2015. Collection method: clinical testing. Allele origin: germline.